The following is an entry in ClinVar:

ClinVar aggregate classification (germline): Conflicting classifications of pathogenicity. Review status: criteria provided, conflicting classifications (1 of 4 stars). 2 submissions from 2 submitters: Uncertain significance (1); Likely benign (1). Last evaluated 2025-11-18.

Allele frequency attached by ClinVar (database versions not stated): ExAC 0.00002; gnomAD 0.00002; TOPMed 0.00002.
gnomAD v4.1: 39 of 1,613,942 alleles (0.0024%); highest among the groups gnomAD compares: Middle Eastern, 0.049%; no homozygotes.

Submissions (2):

Labcorp Genetics (formerly Invitae), Labcorp
Classification: Uncertain significance. Last evaluated: 2025-11-18. Review status: criteria provided, single submitter. Criteria: Invitae Variant Classification Sherloc (09022015). Collection method: clinical testing. Allele origin: germline.
Comment: This sequence change affects codon 279 of the IHH mRNA. It is a 'silent' change, meaning that it does not change the encoded amino acid sequence of the IHH protein. This variant is present in population databases (rs763928869, gnomAD 0.006%). This variant has not been reported in the literature in individuals affected with IHH-related conditions. ClinVar contains an entry for this variant (Variation ID: 2202520). Algorithms developed to predict the effect of sequence changes on RNA splicing suggest that this variant may create or strengthen a splice site. In summary, the available evidence is currently insufficient to determine the role of this variant in disease. Therefore, it has been classified as a Variant of Uncertain Significance.

Women's Health and Genetics/Laboratory Corporation of America, LabCorp
Classification: Likely benign. Last evaluated: 2025-02-18. Review status: criteria provided, single submitter. Criteria: LabCorp Variant Classification Summary - May 2015. Collection method: clinical testing. Allele origin: germline.

NM_002181.4(IHH):c.837G>A (p.Thr279=)

Gene: IHH (Indian hedgehog signaling molecule; minus strand). Cytogenetic location: 2q35.
Variant type: single nucleotide variant.
Coding change: c.837G>A on transcript NM_002181.4 (MANE Select); coding-DNA position 837, G replaced by A.
Protein change: p.Thr279=; no amino-acid change (threonine 279 retained).
Molecular consequence: synonymous variant.
Genome position (GRCh38, 1-based): chr2:219,055,606, C>T on the plus strand (G>A on the coding strand, the complement: IHH is on the minus strand). VCF-style: chr2-219055606-C-T. GRCh37 (hg19) VCF-style: chr2-219920328-C-T.
Identifiers: ClinVar variation 2202520 (VCV002202520.5), dbSNP rs763928869, ClinGen allele CA2116592.
Genomic context (GRCh38, chr2:219,055,606, plus strand): 5'-CTGCACGTGGCTGGCAAATGTGGCCCGGAAGCGGGCTGCCGGCTCCGTGTGATTGTCAGC[C>T]GTAAAGAGCAGGTGAGCGGGTGTGAGTGCCAGGCGGCGTGGGGGGTCCTGAGTCTCGATG-3'
Protein context (NP_002172.2, residues 269-289): LALTPAHLLF[Thr279=]ADNHTEPAAR